The following is an entry in ClinVar:

ClinVar aggregate classification (germline): Uncertain significance (1 of 4 stars; one submission).

Conditions:
Immunodeficiency. Identifiers: MedGen C0021051, MONDO:0021094, HP:0002721.

Submission:

Labcorp Genetics (formerly Invitae), Labcorp
Classification: Uncertain significance for Immunodeficiency. Last evaluated: 2022-09-26. Review status: criteria provided, single submitter. Criteria: Invitae Variant Classification Sherloc (09022015). Collection method: clinical testing. Allele origin: germline.
Comment: In summary, the available evidence is currently insufficient to determine the role of this variant in disease. Therefore, it has been classified as a Variant of Uncertain Significance. Algorithms developed to predict the effect of missense changes on protein structure and function are either unavailable or do not agree on the potential impact of this missense change (SIFT: "Tolerated"; PolyPhen-2: "Probably Damaging"; Align-GVGD: "Class C0"). This variant has not been reported in the literature in individuals affected with NFAT5-related conditions. This variant is not present in population databases (gnomAD no frequency). This sequence change replaces leucine, which is neutral and non-polar, with phenylalanine, which is neutral and non-polar, at codon 947 of the NFAT5 protein (p.Leu947Phe).

NM_138713.4(NFAT5):c.3121C>T (p.Leu1041Phe)

Gene: NFAT5 (nuclear factor of activated T cells 5; plus strand). Cytogenetic location: 16q22.1.
Variant type: single nucleotide variant.
Coding change: c.3121C>T on transcript NM_138713.4 (MANE Select); coding-DNA position 3121, C replaced by T.
Protein change: p.Leu1041Phe; replaces leucine 1041 with phenylalanine.
Molecular consequence: missense variant.
Genome position (GRCh38, 1-based): chr16:69,692,946, C>T. VCF-style: chr16-69692946-C-T. GRCh37 (hg19) VCF-style: chr16-69726849-C-T.
Other names: c.3118C>T, p.Leu1040Phe (NM_001113178.3); c.2446C>T, p.Leu816Phe (NM_001367709.1); c.3067C>T, p.Leu1023Phe (NM_006599.4); c.2839C>T, p.Leu947Phe (NM_138714.4, NM_173214.3, NM_173215.3); short protein forms L1023F, L1040F, L1041F, L816F, L947F.
Identifiers: ClinVar variation 1717619 (VCV001717619.5), dbSNP rs2544241657, ClinGen allele CA396512298.